The following is an entry in ClinVar:

ClinVar aggregate classification (germline): Uncertain significance (1 of 4 stars; one submission).

Submission:

Labcorp Genetics (formerly Invitae), Labcorp
Classification: Uncertain significance. Last evaluated: 2022-06-04. Review status: criteria provided, single submitter. Criteria: Invitae Variant Classification Sherloc (09022015). Collection method: clinical testing. Allele origin: germline.
Comment: This sequence change replaces threonine, which is neutral and polar, with isoleucine, which is neutral and non-polar, at codon 1714 of the EYS protein (p.Thr1714Ile). This variant is not present in population databases (gnomAD no frequency). This variant has not been reported in the literature in individuals affected with EYS-related conditions. ClinVar contains an entry for this variant (Variation ID: 1345496). Algorithms developed to predict the effect of missense changes on protein structure and function are either unavailable or do not agree on the potential impact of this missense change (SIFT: "Tolerated"; PolyPhen-2: "Probably Damaging"; Align-GVGD: "Class C0"). In summary, the available evidence is currently insufficient to determine the role of this variant in disease. Therefore, it has been classified as a Variant of Uncertain Significance.

NM_001142800.2(EYS):c.5141C>T (p.Thr1714Ile)

Gene: EYS (eyes shut homolog; minus strand). Cytogenetic location: 6q12.
Variant type: single nucleotide variant.
Coding change: c.5141C>T on transcript NM_001142800.2 (MANE Select); coding-DNA position 5141, C replaced by T.
Protein change: p.Thr1714Ile; replaces threonine 1714 with isoleucine.
Molecular consequence: missense variant.
Genome position (GRCh38, 1-based): chr6:64,590,726, G>A on the plus strand (C>T on the coding strand, the complement: EYS is on the minus strand). VCF-style: chr6-64590726-G-A. GRCh37 (hg19) VCF-style: chr6-65300619-G-A.
Other names: c.5141C>T, p.Thr1714Ile (NM_001292009.2); short protein forms T1714I.
Identifiers: ClinVar variation 1345496 (VCV001345496.3), dbSNP rs1330663195, ClinGen allele CA364781761.